The following is an entry in ClinVar:

NM_000297.4(PKD2):c.2118G>A (p.Lys706=)

Gene: PKD2 (polycystin 2, transient receptor potential cation channel; plus strand). Cytogenetic location: 4q22.1.
Variant type: single nucleotide variant.
Coding change: c.2118G>A on transcript NM_000297.4 (MANE Select); coding-DNA position 2118, G replaced by A.
Protein change: p.Lys706=; no amino-acid change (lysine 706 retained).
Molecular consequence: synonymous variant. On other transcripts: non-coding transcript variant (1).
Genome position (GRCh38, 1-based): chr4:88,062,004, G>A. VCF-style: chr4-88062004-G-A. GRCh37 (hg19) VCF-style: chr4-88983156-G-A.
Identifiers: ClinVar variation 3769026 (VCV003769026.1).

ClinVar aggregate classification (germline): Uncertain significance (1 of 4 stars; one submission).

Submission:

Women's Health and Genetics/Laboratory Corporation of America, LabCorp
Classification: Uncertain significance. Last evaluated: 2025-02-17. Review status: criteria provided, single submitter. Criteria: LabCorp Variant Classification Summary - May 2015. Collection method: clinical testing. Allele origin: germline.
Comment: Variant summary: PKD2 c.2118G>A (p.Lys706Lys) alters a conserved nucleotide located close to a canonical splice site and therefore could affect mRNA splicing, leading to a significantly altered protein sequence. Several computational tools predict a significant impact on normal splicing: One predict the variant abolishes a 5' splicing donor site. Three predict the variant weakens a 5' donor site. However, these predictions have yet to be confirmed by functional studies. The variant was absent in 250152 control chromosomes (gnomAD). The available data on variant occurrences in the general population are insufficient to allow any conclusion about variant significance. To our knowledge, no occurrence of c.2118G>A in individuals affected with Polycystic Kidney Disease 2 and no experimental evidence demonstrating its impact on protein function have been reported. No submitters have cited clinical-significance assessments for this variant to ClinVar. Based on the evidence outlined above, the variant was classified as uncertain significance.